The following is an entry in ClinVar:

ClinVar aggregate classification (germline): Likely benign. Review status: criteria provided, multiple submitters, no conflicts (2 of 4 stars). 5 submissions from 5 submitters: Likely benign (5). Last evaluated 2026-01-26.

Conditions:
Occult macular dystrophy (OCMD). Also called: OCCULT MACULAR DYSTROPHY, SUSCEPTIBILITY TO; OMD. Identifiers: Orphanet 247834, MedGen C3150833, MONDO:0013316, OMIM 613587, HP:0030636.
RP1L1-related disorder. Also called: RP1L1-related condition.

Allele frequency attached by ClinVar (database versions not stated): ExAC 0.00005; gnomAD 0.00006 and 0.00007; gnomAD exomes 0.00006; TOPMed 0.00006.
gnomAD v4.1: 470 of 1,613,908 alleles (0.029%); highest among the groups gnomAD compares: Non-Finnish European, 0.039%; no homozygotes.

Submissions (5):

Labcorp Genetics (formerly Invitae), Labcorp
Classification: Likely benign. Last evaluated: 2026-01-26. Review status: criteria provided, single submitter. Criteria: Invitae Variant Classification Sherloc (09022015). Collection method: clinical testing. Allele origin: germline.

PreventionGenetics, part of Exact Sciences
Classification: Likely benign for RP1L1-related condition. Last evaluated: 2025-04-16. Review status: criteria provided, single submitter. Criteria: ACMG Guidelines, 2015. Collection method: clinical testing. Allele origin: germline.
Comment: This variant is classified as likely benign based on ACMG/AMP sequence variant interpretation guidelines (Richards et al. 2015 PMID: 25741868, with internal and published modifications).

Blueprint Genetics
Classification: Likely benign. Last evaluated: 2023-06-16. Review status: criteria provided, single submitter. Criteria: ACMG Guidelines, 2015. Collection method: clinical testing. Allele origin: germline.

Illumina Laboratory Services, Illumina
Classification: Likely benign for Occult macular dystrophy. Last evaluated: 2018-01-12. Review status: criteria provided, single submitter. Criteria: ICSL Variant Classification Criteria 13 December 2019. Collection method: clinical testing. Allele origin: germline.
Comment: This variant was observed in the ICSL laboratory as part of a predisposition screen in an ostensibly healthy population. It had not been previously curated by ICSL or reported in the Human Gene Mutation Database (HGMD: prior to June 1st, 2018), and was therefore a candidate for classification through an automated scoring system. Utilizing variant allele frequency, disease prevalence and penetrance estimates, and inheritance mode, an automated score was calculated to assess if this variant is too frequent to cause the disease. Based on the score and internal cut-off values, a variant classified as likely benign is not then subjected to further curation. The score for this variant resulted in a classification of likely benign for this disease.

Breakthrough Genomics
Classification: Likely benign. Review status: criteria provided, single submitter. Criteria: ACMG Guidelines, 2015. Collection method: not provided. Allele origin: germline. Inheritance: Autosomal recessive inheritance. Affected: yes.

NM_178857.6(RP1L1):c.117C>G (p.Leu39=)

Gene: RP1L1 (RP1 like 1). Cytogenetic location: 8p23.1.
Variant type: single nucleotide variant.
Coding change: c.117C>G on transcript NM_178857.6 (MANE Select); coding-DNA position 117, C replaced by G.
Protein change: p.Leu39=; no amino-acid change (leucine 39 retained).
Molecular consequence: synonymous variant.
Genome position (GRCh38, 1-based): chr8:10,623,085, G>C on the plus strand (C>G on the coding strand, the complement: RP1L1 is on the minus strand). VCF-style: chr8-10623085-G-C. GRCh37 (hg19) VCF-style: chr8-10480595-G-C.
Identifiers: ClinVar variation 361427 (VCV000361427.15), dbSNP rs751004024, ClinGen allele CA4625868.
Genomic context (GRCh38, chr8:10,623,085, plus strand): 5'-CTTAAAGGCGCGCTGGTGAACGGCCAGGCGGACCCCAGCAAACCGTGGATCCCCTCGCTT[G>C]AGGAAGGTGATCTTCTTGGCTGGCGTGACCTTGGTGACCGAGGGGGTGCGAGCCACAGAG-3'
Protein context (NP_849188.4, residues 29-49): KVTPAKKITF[Leu39=]KRGDPRFAGV